The following is an entry in ClinVar:

NM_016953.4(PDE11A):c.1353T>C (p.Ala451=)

Gene: PDE11A (phosphodiesterase 11A; minus strand). Cytogenetic location: 2q31.2.
Variant type: single nucleotide variant.
Coding change: c.1353T>C on transcript NM_016953.4 (MANE Select); coding-DNA position 1353, T replaced by C.
Protein change: p.Ala451=; no amino-acid change (alanine 451 retained).
Molecular consequence: synonymous variant.
Genome position (GRCh38, 1-based): chr2:177,875,873, A>G on the plus strand (T>C on the coding strand, the complement: PDE11A is on the minus strand). VCF-style: chr2-177875873-A-G. GRCh37 (hg19) VCF-style: chr2-178740600-A-G.
Other names: c.21T>C, p.Ala7= (NM_001077196.2); c.603T>C, p.Ala201= (NM_001077197.2); c.279T>C, p.Ala93= (NM_001077358.2).
Identifiers: ClinVar variation 2651571 (VCV002651571.24), dbSNP rs748169188, ClinGen allele CA1982008.

ClinVar aggregate classification (germline): Likely benign (1 of 4 stars; one submission).

Allele frequency attached by ClinVar (database versions not stated): gnomAD exomes 0.00001; TOPMed 0.00001; ExAC 0.00002.
gnomAD v4.1: 13 of 1,611,168 alleles (0.00081%); highest among the groups gnomAD compares: Admixed American, 0.0033%; no homozygotes.

Submission:

CeGaT Center for Human Genetics Tuebingen
Classification: Likely benign. Last evaluated: 2022-05-01. Review status: criteria provided, single submitter. Criteria: CeGaT Center For Human Genetics Tuebingen Variant Classification Criteria Version 2. Collection method: clinical testing. Allele origin: germline. Affected: yes. Observed: 1 variant allele.
Comment: PDE11A: BP4, BP7